The following is an entry in ClinVar:

NC_000016.9:g.(?_3817701)_(3817930_?)del

Gene: CREBBP (CREB binding lysine acetyltransferase; minus strand). Cytogenetic location: 16p13.3.
Variant type: Deletion.
Identifiers: ClinVar variation 3243311 (VCV003243311.1).

ClinVar aggregate classification (germline): Pathogenic (1 of 4 stars; one submission).

Conditions:
Rubinstein-Taybi syndrome (RSTS). Identifiers: Orphanet 783, MedGen C0035934, MONDO:0019188.

Submission:

Labcorp Genetics (formerly Invitae), Labcorp
Classification: Pathogenic for Rubinstein-Taybi syndrome. Last evaluated: 2023-05-24. Review status: criteria provided, single submitter. Criteria: Invitae Variant Classification Sherloc (09022015). Collection method: clinical testing. Allele origin: unknown.
Comment: For these reasons, this variant has been classified as Pathogenic. This variant has not been reported in the literature in individuals affected with CREBBP-related conditions. This variant is a gross deletion of the genomic region encompassing exon(s) 16 of the CREBBP gene. This deletion is out-of-frame, and is expected to create a premature termination codon and result in an absent or disrupted protein product. Loss-of-function variants in CREBBP are known to be pathogenic (PMID: 17052327, 18792986).

Literature cited by the submitters: PubMed 17052327; PubMed 18792986.